The following is an entry in ClinVar:

NM_025114.4(CEP290):c.6842A>T (p.Glu2281Val)

Gene: CEP290 (centrosomal protein 290; minus strand). Cytogenetic location: 12q21.32.
Variant type: single nucleotide variant.
Coding change: c.6842A>T on transcript NM_025114.4 (MANE Select); coding-DNA position 6842, A replaced by T.
Protein change: p.Glu2281Val; replaces glutamic acid 2281 with valine.
Molecular consequence: missense variant.
Genome position (GRCh38, 1-based): chr12:88,055,694, T>A on the plus strand (A>T on the coding strand, the complement: CEP290 is on the minus strand). VCF-style: chr12-88055694-T-A. GRCh37 (hg19) VCF-style: chr12-88449471-T-A.
Other names: short protein forms E2281V.
Identifiers: ClinVar variation 931769 (VCV000931769.6), dbSNP rs2033943524, ClinGen allele CA385976646.

ClinVar aggregate classification (germline): Uncertain significance. Review status: criteria provided, multiple submitters, no conflicts (2 of 4 stars). 3 submissions from 3 submitters: Uncertain significance (3). Last evaluated 2023-08-25.

Conditions:
Joubert syndrome. Also called: JOUBERT-BOLTSHAUSER SYNDROME; Familial aplasia of the vermis. Identifiers: Orphanet 475, MedGen C5979921, MONDO:0018772.
Meckel-Gruber syndrome. Also called: DYSENCEPHALIA SPLANCHNOCYSTICA; GRUBER SYNDROME; Dysencephalia splachnocystica. Identifiers: Orphanet 564, MedGen C0265215, MONDO:0018921.
Nephronophthisis. Also called: Juvenile Nephronophthisis. Identifiers: Orphanet 655, MedGen C0687120, MONDO:0019005, HP:0000090.
Joubert syndrome 5 (JBTS5). Identifiers: Orphanet 2318, MedGen C1857780, MONDO:0012432, OMIM 610188.

gnomAD v4.1: 1 of 1,536,624 alleles (0.000065%); highest among the groups gnomAD compares: Non-Finnish European, 0.000088%; no homozygotes.

Submissions (3):

Blueprint Genetics
Classification: Uncertain significance. Last evaluated: 2023-08-25. Review status: criteria provided, single submitter. Criteria: ACMG Guidelines, 2015. Collection method: clinical testing. Allele origin: germline.

Labcorp Genetics (formerly Invitae), Labcorp
Classification: Uncertain significance for Joubert syndrome; Meckel-Gruber syndrome; Nephronophthisis. Last evaluated: 2022-04-12. Review status: criteria provided, single submitter. Criteria: Invitae Variant Classification Sherloc (09022015). Collection method: clinical testing. Allele origin: germline.
Comment: This sequence change replaces glutamic acid, which is acidic and polar, with valine, which is neutral and non-polar, at codon 2281 of the CEP290 protein (p.Glu2281Val). This variant is not present in population databases (gnomAD no frequency). This variant has not been reported in the literature in individuals affected with CEP290-related conditions. ClinVar contains an entry for this variant (Variation ID: 931769). Algorithms developed to predict the effect of missense changes on protein structure and function (SIFT, PolyPhen-2, Align-GVGD) all suggest that this variant is likely to be tolerated. In summary, the available evidence is currently insufficient to determine the role of this variant in disease. Therefore, it has been classified as a Variant of Uncertain Significance.

Centre for Mendelian Genomics, University Medical Centre Ljubljana
Classification: Uncertain significance for Joubert syndrome 5. Last evaluated: 2019-03-18. Review status: criteria provided, single submitter. Criteria: ACMG Guidelines, 2015. Collection method: clinical testing. Allele origin: unknown. Affected: yes.
Comment: This variant was classified as: Uncertain significance. The available evidence on this variant's pathogenicity is insufficient or conflicting. The following ACMG criteria were applied in classifying this variant: PM2,BP1.